The following is an entry in ClinVar:

ClinVar aggregate classification (germline): Uncertain significance (1 of 4 stars; one submission).

Submission:

CeGaT Center for Human Genetics Tuebingen
Classification: Uncertain significance. Last evaluated: 2024-04-01. Review status: criteria provided, single submitter. Criteria: CeGaT Center For Human Genetics Tuebingen Variant Classification Criteria Version 2. Collection method: clinical testing. Allele origin: germline. Affected: yes. Observed: 1 variant allele.
Comment: ANKRD11: PM2, BP4

NM_013275.6(ANKRD11):c.6566C>G (p.Ala2189Gly)

Gene: ANKRD11 (ankyrin repeat domain 11; minus strand). Cytogenetic location: 16q24.3.
Variant type: single nucleotide variant.
Coding change: c.6566C>G on transcript NM_013275.6 (MANE Select); coding-DNA position 6566, C replaced by G.
Protein change: p.Ala2189Gly; replaces alanine 2189 with glycine.
Molecular consequence: missense variant.
Genome position (GRCh38, 1-based): chr16:89,279,976, G>C on the plus strand (C>G on the coding strand, the complement: ANKRD11 is on the minus strand). VCF-style: chr16-89279976-G-C. GRCh37 (hg19) VCF-style: chr16-89346384-G-C.
Other names: c.6566C>G, p.Ala2189Gly (NM_001256182.2, NM_001256183.2); short protein forms A2189G.
Identifiers: ClinVar variation 3234817 (VCV003234817.20), dbSNP rs1851253884, ClinGen allele CA397150549.
Genomic context (GRCh38, chr16:89,279,976, plus strand): 5'-CCTGAGGGCTCAGGCTCGAGCTCTGCAGGGAGCCGGGTGGAGGCCTGGTCAGGAGGCAGT[G>C]CCGGCGGCTCCTCAGCCACTACGGTGGAAACATCCCCACCGTTTATGACCCCGGGGGCCC-3'
Protein context (NP_037407.4, residues 2179-2199): VSTVVAEEPP[Ala2189Gly]LPPDQASTRL